The following is an entry in ClinVar:

ClinVar aggregate classification (germline): Uncertain significance (1 of 4 stars; one submission).

Conditions:
Cardiovascular phenotype. Identifiers: MedGen CN230736.

Submission:

Ambry Genetics
Classification: Uncertain significance for Cardiovascular phenotype. Last evaluated: 2022-06-27. Review status: criteria provided, single submitter. Criteria: Ambry Variant Classification Scheme 2023. Collection method: clinical testing. Allele origin: germline.
Comment: The p.P362R variant (also known as c.1085C>G), located in coding exon 8 of the TBX1 gene, results from a C to G substitution at nucleotide position 1085. The proline at codon 362 is replaced by arginine, an amino acid with dissimilar properties. This amino acid position is conserved. In addition, this alteration is predicted to be tolerated by in silico analysis. Since supporting evidence is limited at this time, the clinical significance of this alteration remains unclear.

NM_001379200.1(TBX1):c.1112C>G (p.Pro371Arg)

Gene: TBX1 (T-box transcription factor 1; plus strand). Cytogenetic location: 22q11.21.
Variant type: single nucleotide variant.
Coding change: c.1112C>G on transcript NM_001379200.1 (MANE Select); coding-DNA position 1112, C replaced by G.
Protein change: p.Pro371Arg; replaces proline 371 with arginine.
Molecular consequence: missense variant. On other transcripts: intron variant (2).
Genome position (GRCh38, 1-based): chr22:19,766,464, C>G. VCF-style: chr22-19766464-C-G. GRCh37 (hg19) VCF-style: chr22-19753987-C-G.
Other names: c.1085C>G, p.Pro362Arg (NM_080647.1); c.1009+462C>G (NM_005992.1, NM_080646.2); short protein forms P362R, P371R.
Identifiers: ClinVar variation 1787436 (VCV001787436.2), dbSNP rs2517857617, ClinGen allele CA410684158.